The following is an entry in ClinVar:

ClinVar aggregate classification (germline): Uncertain significance (1 of 4 stars; one submission).

Allele frequency attached by ClinVar (database versions not stated): TOPMed below 0.00001; gnomAD 0.00001; gnomAD exomes 0.00001.
gnomAD v4.1: 8 of 1,611,184 alleles (0.0005%); highest among the groups gnomAD compares: Non-Finnish European, 0.00068%; no homozygotes.

Submission:

Labcorp Genetics (formerly Invitae), Labcorp
Classification: Uncertain significance. Last evaluated: 2022-03-04. Review status: criteria provided, single submitter. Criteria: Invitae Variant Classification Sherloc (09022015). Collection method: clinical testing. Allele origin: germline.
Comment: In summary, the available evidence is currently insufficient to determine the role of this variant in disease. Therefore, it has been classified as a Variant of Uncertain Significance. Algorithms developed to predict the effect of missense changes on protein structure and function are either unavailable or do not agree on the potential impact of this missense change (SIFT: "Not Available"; PolyPhen-2: "Probably Damaging"; Align-GVGD: "Not Available"). This variant has not been reported in the literature in individuals affected with LCT-related conditions. This variant is present in population databases (no rsID available, gnomAD 0.0009%). This sequence change replaces tyrosine, which is neutral and polar, with histidine, which is basic and polar, at codon 1112 of the LCT protein (p.Tyr1112His).

NM_002299.4(LCT):c.3334T>C (p.Tyr1112His)

Gene: LCT (lactase; minus strand). Cytogenetic location: 2q21.3.
Variant type: single nucleotide variant.
Coding change: c.3334T>C on transcript NM_002299.4 (MANE Select); coding-DNA position 3334, T replaced by C.
Protein change: p.Tyr1112His; replaces tyrosine 1112 with histidine.
Molecular consequence: missense variant.
Genome position (GRCh38, 1-based): chr2:135,809,013, A>G on the plus strand (T>C on the coding strand, the complement: LCT is on the minus strand). VCF-style: chr2-135809013-A-G. GRCh37 (hg19) VCF-style: chr2-136566583-A-G.
Other names: short protein forms Y1112H.
Identifiers: ClinVar variation 2106401 (VCV002106401.4), dbSNP rs1490497561, ClinGen allele CA348599881.
Genomic context (GRCh38, chr2:135,809,013, plus strand): 5'-TGGGCTCTGCCCAGTGTGTACTGAGGCTCAGCGAGATGACCCCCTTCTGCTCCTGCCTGT[A>G]TTTCTCATCGTACGTGTGATAGACTCTGGCATGGGCTTTGATGACGGCGTGGGCTATCCT-3'
Protein context (NP_002290.2, residues 1102-1122): ARVYHTYDEK[Tyr1112His]RQEQKGVISL